The following is an entry in ClinVar:

ClinVar aggregate classification (germline): Benign/Likely benign. Review status: criteria provided, multiple submitters, no conflicts (2 of 4 stars). 5 submissions from 5 submitters: Benign (1); Likely benign (3). 1 of the submissions does not count toward it. Last evaluated 2025-08-06.

Conditions:
ACTN4-related disorder. Also called: ACTN4-related condition.
Focal segmental glomerulosclerosis 1 (FSGS1). Identifiers: Orphanet 656, MedGen C4551527, MONDO:0011303, OMIM 603278.

Allele frequency attached by ClinVar (database versions not stated): ExAC 0.00030; gnomAD exomes 0.00037 and 0.00124; 1000 Genomes Project 0.00040; ESP Exome Variant Server 0.00046; 1000 Genomes Project 30x 0.00047; gnomAD 0.00052 and 0.00054; TOPMed 0.00059.
gnomAD v4.1: 1,907 of 1,614,060 alleles (0.12%); highest among the groups gnomAD compares: Non-Finnish European, 0.15%; 2 homozygotes.

Submissions (5):

Labcorp Genetics (formerly Invitae), Labcorp
Classification: Benign. Last evaluated: 2025-08-06. Review status: criteria provided, single submitter. Criteria: Invitae Variant Classification Sherloc (09022015). Collection method: clinical testing. Allele origin: germline.

CeGaT Center for Human Genetics Tuebingen
Classification: Likely benign. Last evaluated: 2025-04-01. Review status: criteria provided, single submitter. Criteria: CeGaT Center For Human Genetics Tuebingen Variant Classification Criteria Version 2. Collection method: clinical testing. Allele origin: germline. Affected: yes. Observed: 2 variant alleles.
Comment: ACTN4: BP4, BP7

Blueprint Genetics
Classification: Likely benign. Last evaluated: 2024-10-25. Review status: criteria provided, single submitter. Criteria: ACMG Guidelines, 2015. Collection method: clinical testing. Allele origin: germline.

Fulgent Genetics
Classification: Likely benign for Focal segmental glomerulosclerosis 1. Last evaluated: 2021-11-10. Review status: criteria provided, single submitter. Criteria: ACMG Guidelines, 2015. Collection method: clinical testing. Allele origin: unknown.

PreventionGenetics, part of Exact Sciences
Classification: Likely benign for ACTN4-related condition. Last evaluated: 2019-09-05. Review status: no assertion criteria provided. Collection method: clinical testing. Allele origin: germline. Not counted in ClinVar's aggregate classification.
Comment: This variant is classified as likely benign based on ACMG/AMP sequence variant interpretation guidelines (Richards et al. 2015 PMID: 25741868, with internal and published modifications).

NM_004924.6(ACTN4):c.1341G>A (p.Ser447=)

Gene: ACTN4 (actinin alpha 4; plus strand). Cytogenetic location: 19q13.2.
Variant type: single nucleotide variant.
Coding change: c.1341G>A on transcript NM_004924.6 (MANE Select); coding-DNA position 1341, G replaced by A.
Protein change: p.Ser447=; no amino-acid change (serine 447 retained).
Molecular consequence: synonymous variant.
Genome position (GRCh38, 1-based): chr19:38,721,587, G>A. VCF-style: chr19-38721587-G-A. GRCh37 (hg19) VCF-style: chr19-39212227-G-A.
Other names: c.1341G>A, p.Ser447= (NM_001322033.2).
Identifiers: ClinVar variation 725444 (VCV000725444.36), dbSNP rs139243684, ClinGen allele CA9417617.